The following is an entry in ClinVar:

ClinVar aggregate classification (germline): Conflicting classifications of pathogenicity. Review status: criteria provided, conflicting classifications (1 of 4 stars). 5 submissions from 5 submitters: Uncertain significance (3); Likely benign (2). Last evaluated 2026-05-01.

Conditions:
Cardiovascular phenotype. Identifiers: MedGen CN230736.

Allele frequency attached by ClinVar (database versions not stated): TOPMed 0.00007; 1000 Genomes Project 0.00020; ExAC 0.00033; gnomAD 0.00013; 1000 Genomes Project 30x 0.00031.
gnomAD v4.1: 63 of 1,549,848 alleles (0.0041%); highest among the groups gnomAD compares: Middle Eastern, 0.052%; no homozygotes.

Submissions (5):

Women's Health and Genetics/Laboratory Corporation of America, LabCorp
Classification: Uncertain significance. Last evaluated: 2026-05-01. Review status: criteria provided, single submitter. Criteria: LabCorp Variant Classification Summary - May 2015. Collection method: clinical testing. Allele origin: germline.
Comment: Variant summary: ZNF469 c.8785G>A (p.Glu2929Lys) results in a conservative amino acid change in the encoded protein sequence. Algorithms developed to predict the effect of missense changes on protein structure and function are either unavailable or do not agree on the potential impact of this missense change. The variant allele was found at a frequency of 0.00012 in 149928 control chromosomes. This frequency is not significantly higher than estimated for disease-causing variants in ZNF469, allowing no conclusion about variant significance. c.8785G>A has been observed in a heterozygous individual affected with progressive keratoconus (Yildiz_2017). These report(s) do not provide unequivocal conclusions about association of the variant with Brittle cornea syndrome 1. To our knowledge, no experimental evidence demonstrating an impact on protein function has been reported. The following publication have been ascertained in the context of this evaluation (PMID: 28622062). ClinVar contains an entry for this variant (Variation ID: 320994). Based on the evidence outlined above, the variant was classified as uncertain significance.

Mayo Clinic Laboratories, Mayo Clinic
Classification: Likely benign. Last evaluated: 2025-01-15. Review status: criteria provided, single submitter. Criteria: ACMG Guidelines, 2015. Collection method: clinical testing. Allele origin: germline. Observed: 1 variant allele.
Comment: BS1, BP4_moderate

Ambry Genetics
Classification: Likely benign for Cardiovascular phenotype. Last evaluated: 2023-09-06. Review status: criteria provided, single submitter. Criteria: Ambry Variant Classification Scheme 2023. Collection method: clinical testing. Allele origin: germline.

Labcorp Genetics (formerly Invitae), Labcorp
Classification: Uncertain significance. Last evaluated: 2022-04-09. Review status: criteria provided, single submitter. Criteria: Invitae Variant Classification Sherloc (09022015). Collection method: clinical testing. Allele origin: germline.
Comment: This sequence change replaces glutamic acid, which is acidic and polar, with lysine, which is basic and polar, at codon 2901 of the ZNF469 protein (p.Glu2901Lys). This variant is present in population databases (rs578166707, gnomAD 0.06%). This missense change has been observed in individual(s) with clinical features of brittle cornea syndrome (PMID: 28622062). ClinVar contains an entry for this variant (Variation ID: 320994). Algorithms developed to predict the effect of missense changes on protein structure and function are either unavailable or do not agree on the potential impact of this missense change (SIFT: "Deleterious"; PolyPhen-2: "Probably Damaging"; Align-GVGD: "Class C0"). In summary, the available evidence is currently insufficient to determine the role of this variant in disease. Therefore, it has been classified as a Variant of Uncertain Significance.

GeneDx
Classification: Uncertain significance. Last evaluated: 2020-01-17. Review status: criteria provided, single submitter. Criteria: GeneDx Variant Classification Process June 2021. Collection method: clinical testing. Allele origin: germline. Affected: yes.
Comment: In silico analysis, which includes protein predictors and evolutionary conservation, supports that this variant does not alter protein structure/function; Observed in a patient with advanced keratoconus (Yildiz et al., 2017); This variant is associated with the following publications: (PMID: 28622062)

Literature cited by the submitters: PubMed 28622062 (cited by Women's Health and Genetics/Laboratory Corporation of America, LabCorp and Labcorp Genetics (formerly Invitae), Labcorp).

NM_001367624.2(ZNF469):c.8785G>A (p.Glu2929Lys)

Gene: ZNF469 (zinc finger protein 469; plus strand). Cytogenetic location: 16q24.2.
Variant type: single nucleotide variant.
Coding change: c.8785G>A on transcript NM_001367624.2 (MANE Select); coding-DNA position 8785, G replaced by A.
Protein change: p.Glu2929Lys; replaces glutamic acid 2929 with lysine.
Molecular consequence: missense variant.
Genome position (GRCh38, 1-based): chr16:88,436,255, G>A. VCF-style: chr16-88436255-G-A. GRCh37 (hg19) VCF-style: chr16-88502663-G-A.
Other names: p.Glu2929Lys; short protein forms E2929K.
Identifiers: ClinVar variation 320994 (VCV000320994.12), dbSNP rs578166707, ClinGen allele CA8225372.